The following is an entry in ClinVar:

NM_001365308.1(BMPER):c.1822G>A (p.Ala608Thr)

Gene: BMPER (BMP binding endothelial regulator; plus strand). Cytogenetic location: 7p14.3.
Variant type: single nucleotide variant.
Coding change: c.1822G>A on transcript NM_001365308.1 (MANE Select); coding-DNA position 1822, G replaced by A.
Protein change: p.Ala608Thr; replaces alanine 608 with threonine.
Molecular consequence: missense variant.
Genome position (GRCh38, 1-based): chr7:34,143,306, G>A. VCF-style: chr7-34143306-G-A. GRCh37 (hg19) VCF-style: chr7-34182918-G-A.
Other names: c.1492G>A, p.Ala498Thr (NM_001410872.1); c.1822G>A, p.Ala608Thr (NM_133468.5); short protein forms A498T, A608T.
Identifiers: ClinVar variation 1911777 (VCV001911777.3), dbSNP rs758779412, ClinGen allele CA4215523.
Genomic context (GRCh38, chr7:34,143,306, plus strand): 5'-ATGTGTGAATGTCCAGTCCATAAAAACTGTTATTGCGAGTCATTTTTGGCATATACCCGG[G>A]CCTGCCAGAGAGAGGGCATCAAAGTCCACTGGGAGCCTCAGCAGAATTGTGCAGGTAAGA-3'
Protein context (NP_001352237.1, residues 598-618): YCESFLAYTR[Ala608Thr]CQREGIKVHW

ClinVar aggregate classification (germline): Uncertain significance (1 of 4 stars; one submission).

Allele frequency attached by ClinVar (database versions not stated): gnomAD exomes below 0.00001; gnomAD 0.00001; TOPMed 0.00001; ExAC 0.00002.
gnomAD v4.1: 7 of 1,613,920 alleles (0.00043%); highest among the groups gnomAD compares: Non-Finnish European, 0.00059%; no homozygotes.

Submission:

Labcorp Genetics (formerly Invitae), Labcorp
Classification: Uncertain significance. Last evaluated: 2024-01-19. Review status: criteria provided, single submitter. Criteria: Invitae Variant Classification Sherloc (09022015). Collection method: clinical testing. Allele origin: germline.
Comment: This sequence change replaces alanine, which is neutral and non-polar, with threonine, which is neutral and polar, at codon 608 of the BMPER protein (p.Ala608Thr). This variant is present in population databases (rs758779412, gnomAD 0.002%). This variant has not been reported in the literature in individuals affected with BMPER-related conditions. ClinVar contains an entry for this variant (Variation ID: 1911777). Advanced modeling of protein sequence and biophysical properties (such as structural, functional, and spatial information, amino acid conservation, physicochemical variation, residue mobility, and thermodynamic stability) performed at Invitae indicates that this missense variant is expected to disrupt BMPER protein function with a positive predictive value of 80%. In summary, the available evidence is currently insufficient to determine the role of this variant in disease. Therefore, it has been classified as a Variant of Uncertain Significance.